The following is an entry in ClinVar:

ClinVar aggregate classification (germline): Likely benign (1 of 4 stars; one submission).

Conditions:
UCP3-related disorder. Also called: UCP3-related condition.

gnomAD v4.1: 1 of 1,614,148 alleles (0.000062%); highest among the groups gnomAD compares: South Asian, 0.0011%; no homozygotes.

Submission:

PreventionGenetics, part of Exact Sciences
Classification: Likely benign for UCP3-related condition. Last evaluated: 2025-03-17. Review status: criteria provided, single submitter. Criteria: ACMG Guidelines, 2015. Collection method: clinical testing. Allele origin: germline.
Comment: This variant is classified as likely benign based on ACMG/AMP sequence variant interpretation guidelines (Richards et al. 2015 PMID: 25741868, with internal and published modifications).

NM_003356.4(UCP3):c.768C>A (p.Pro256=)

Gene: UCP3 (uncoupling protein 3; minus strand). Cytogenetic location: 11q13.4.
Variant type: single nucleotide variant.
Coding change: c.768C>A on transcript NM_003356.4 (MANE Select); coding-DNA position 768, C replaced by A.
Protein change: p.Pro256=; no amino-acid change (proline 256 retained).
Molecular consequence: synonymous variant.
Genome position (GRCh38, 1-based): chr11:74,003,883, G>T on the plus strand (C>A on the coding strand, the complement: UCP3 is on the minus strand). VCF-style: chr11-74003883-G-T. GRCh37 (hg19) VCF-style: chr11-73714928-G-T.
Other names: c.768C>A, p.Pro256= (NM_022803.3).
Identifiers: ClinVar variation 4996786 (VCV004996786.1).